The following is an entry in ClinVar:

NM_000814.6(GABRB3):c.1078C>G (p.Arg360Gly)

Gene: GABRB3 (gamma-aminobutyric acid type A receptor subunit beta3; minus strand). Cytogenetic location: 15q12.
Variant type: single nucleotide variant.
Coding change: c.1078C>G on transcript NM_000814.6 (MANE Select); coding-DNA position 1078, C replaced by G.
Protein change: p.Arg360Gly; replaces arginine 360 with glycine.
Molecular consequence: missense variant.
Genome position (GRCh38, 1-based): chr15:26,560,934, G>C on the plus strand (C>G on the coding strand, the complement: GABRB3 is on the minus strand). VCF-style: chr15-26560934-G-C. GRCh37 (hg19) VCF-style: chr15-26806081-G-C.
Other names: c.823C>G, p.Arg275Gly (NM_001191320.2, NM_001278631.2); c.865C>G, p.Arg289Gly (NM_001191321.3); c.1078C>G, p.Arg360Gly (NM_021912.5); short protein forms R275G, R289G, R360G.
Identifiers: ClinVar variation 3758533 (VCV003758533.2).

ClinVar aggregate classification (germline): Uncertain significance (1 of 4 stars; one submission).

Conditions:
Epilepsy, childhood absence, susceptibility to, 1. Also called: Epilepsy, childhood absence 1. Identifiers: Orphanet 64280, MedGen C1838604, MONDO:0020759, OMIM 600131.
Epilepsy, childhood absence, susceptibility to, 5. Identifiers: Orphanet 64280, MedGen C2677087, MONDO:0012843, OMIM 612269.

Submission:

Labcorp Genetics (formerly Invitae), Labcorp
Classification: Uncertain significance for Epilepsy, childhood absence, susceptibility to, 5; Epilepsy, childhood absence, susceptibility to, 1. Last evaluated: 2024-09-10. Review status: criteria provided, single submitter. Criteria: Invitae Variant Classification Sherloc (09022015). Collection method: clinical testing. Allele origin: germline.
Comment: This sequence change replaces arginine, which is basic and polar, with glycine, which is neutral and non-polar, at codon 360 of the GABRB3 protein (p.Arg360Gly). This variant is not present in population databases (gnomAD no frequency). This variant has not been reported in the literature in individuals affected with GABRB3-related conditions. An algorithm developed to predict the effect of missense changes on protein structure and function (PolyPhen-2) suggests that this variant is likely to be disruptive. In summary, the available evidence is currently insufficient to determine the role of this variant in disease. Therefore, it has been classified as a Variant of Uncertain Significance.